The following is an entry in ClinVar:

ClinVar aggregate classification (germline): Uncertain significance (1 of 4 stars; one submission).

Submission:

Ambry Genetics
Classification: Uncertain significance. Last evaluated: 2026-06-15. Review status: criteria provided, single submitter. Criteria: Ambry Variant Classification Scheme 2023. Collection method: clinical testing. Allele origin: germline.
Comment: The p.T922A variant (also known as c.2764A>G), located in coding exon 11 of the WNK2 gene, results from an A to G substitution at nucleotide position 2764. The threonine at codon 922 is replaced by alanine, an amino acid with similar properties. This amino acid position is conserved. In addition, this alteration is predicted to be tolerated by in silico analysis. Based on the available evidence, the clinical significance of this variant remains unclear.

NM_006648.4(WNK2):c.2764A>G (p.Thr922Ala)

Gene: WNK2 (WNK lysine deficient protein kinase 2; plus strand). Cytogenetic location: 9q22.31.
Variant type: single nucleotide variant.
Coding change: c.2764A>G on transcript NM_006648.4 (MANE Select); coding-DNA position 2764, A replaced by G.
Protein change: p.Thr922Ala; replaces threonine 922 with alanine.
Molecular consequence: missense variant.
Genome position (GRCh38, 1-based): chr9:93,259,312, A>G. VCF-style: chr9-93259312-A-G. GRCh37 (hg19) VCF-style: chr9-96021594-A-G.
Other names: c.2764A>G, p.Thr922Ala (NM_001282394.3); short protein forms T922A.
Identifiers: ClinVar variation 5031782 (VCV005031782.1).
Genomic context (GRCh38, chr9:93,259,312, plus strand): 5'-GCCGTGGCCCAGCTCCCAGGCCAACCTGTGTACCCAGCGGCCTTCCCACAGATGGCGCCT[A>G]CTGACGTCCCTCCTTCCCCCCATCACACGGTGCAGAATATGAGGGCCACCCCTCCACAGC-3'
Protein context (NP_006639.3, residues 912-932): YPAAFPQMAP[Thr922Ala]DVPPSPHHTV